The following is an entry in ClinVar:

NM_000093.5(COL5A1):c.4393-4_4398del

Gene: COL5A1 (collagen type V alpha 1 chain; plus strand). Cytogenetic location: 9q34.3.
Variant type: Deletion.
Coding change: c.4393-4_4398del on transcript NM_000093.5 (MANE Select); 4 bases into the intron before coding-DNA position 4393 through coding-DNA position 4398, 10 bases deleted (ACAGGGTCCC; older notation c.4393-4_4398delACAGGGTCCC).
Molecular consequence: splice acceptor variant.
Genome position (GRCh38, 1-based): chr9:134,818,996-134,819,005, ACAGGGTCCC deleted; deleting any 10 consecutive bases within chr9:134,818,992-134,819,005 gives the same sequence; the c. name uses the placement nearest the transcript's 3' end. VCF-style (leftmost placement, unchanged base first): chr9-134818991-CTCCCACAGGG-C. GRCh37 (hg19) VCF-style: chr9-137710837-CTCCCACAGGG-C.
Other names: c.4393-4_4398del (NM_001278074.1).
Identifiers: ClinVar variation 2573359 (VCV002573359.1), dbSNP rs2490851696, ClinGen allele CA2580617144.
Genomic context (GRCh38, chr9:134,818,991, plus strand): 5'-CGGGTGGGATGACTTCGCCACCCAAAGCCCCAAGGATGAGGACTCTGATCCCCCTGCCTC[CTCCCACAGGG>C]TCCCCCAGGACTTCCCGGCCTCAAAGGAGATTCTGGTCCCAAAGGTGAAAAGGTAAGAGG-3'

ClinVar aggregate classification (germline): Likely pathogenic (1 of 4 stars; one submission).

Conditions:
Ehlers-Danlos syndrome (EDS). Identifiers: Orphanet 98249, MedGen C0013720, MONDO:0020066.

Submission:

Women's Health and Genetics/Laboratory Corporation of America, LabCorp
Classification: Likely pathogenic for Ehlers-Danlos syndrome. Last evaluated: 2023-06-19. Review status: criteria provided, single submitter. Criteria: LabCorp Variant Classification Summary - May 2015. Collection method: clinical testing. Allele origin: germline.
Comment: Variant summary: COL5A1 c.4393-4_4398del10 spans a canonical splice-site and is predicted to affect mRNA splicing resulting in a significantly altered protein due to either exon skipping, shortening, or inclusion of intronic material. Several computational tools predict a significant impact on normal splicing: Four predict the variant abolishes the canonical 3' acceptor site and four predict the variant creates a cryptic 3' acceptor site that is typically 10nt into exon 57, which is predicted to cause a frameshift. However, these predictions have yet to be confirmed by functional studies. The variant was absent in 251182 control chromosomes (gnomAD). To our knowledge, no occurrence of c.4393-4_4398del10 in individuals affected with Ehlers-Danlos Syndrome and no experimental evidence demonstrating its impact on protein function have been reported. No clinical diagnostic laboratories have submitted clinical-significance assessments for this variant to ClinVar after 2014. Based on the evidence outlined above, the variant was classified as likely pathogenic.